The following is an entry in ClinVar:

NM_199242.3(UNC13D):c.1829G>A (p.Arg610His)

Gene: UNC13D (unc-13 homolog D; minus strand). Cytogenetic location: 17q25.1.
Variant type: single nucleotide variant.
Coding change: c.1829G>A on transcript NM_199242.3 (MANE Select); coding-DNA position 1829, G replaced by A.
Protein change: p.Arg610His; replaces arginine 610 with histidine.
Molecular consequence: missense variant.
Genome position (GRCh38, 1-based): chr17:75,835,428, C>T on the plus strand (G>A on the coding strand, the complement: UNC13D is on the minus strand). VCF-style: chr17-75835428-C-T. GRCh37 (hg19) VCF-style: chr17-73831509-C-T.
Other names: short protein forms R610H.
Identifiers: ClinVar variation 643566 (VCV000643566.8), dbSNP rs749184121, ClinGen allele CA8772790.
Genomic context (GRCh38, chr17:75,835,428, plus strand): 5'-CCAAACCGGGGCCCCGCCCCCTGCCCTGGCCACGCCCCCACCTCATCCATCTGCACAGCG[C>T]GCTGCACCCGCGCCAGGGCCTCGTTGTACGTCTTCTGCAGCCAGGAGGGGATGGCCGGCT-3'
Protein context (NP_954712.1, residues 600-620): TYNEALARVQ[Arg610His]AVQMDELVPL

ClinVar aggregate classification (germline): Uncertain significance. Review status: criteria provided, multiple submitters, no conflicts (2 of 4 stars). 3 submissions from 3 submitters: Uncertain significance (3). Last evaluated 2024-10-16.

Conditions:
Familial hemophagocytic lymphohistiocytosis 3 (FHL3). Also called: UNC13D-Related Familial Hemophagocytic Lymphohistiocytosis (UNC13D-fHLH). Identifiers: Orphanet 540, MedGen C1837174, MONDO:0012146, OMIM 608898.

Allele frequency attached by ClinVar (database versions not stated): gnomAD 0.00002; gnomAD exomes 0.00003 and 0.00010; TOPMed 0.00003; ExAC 0.00008.
gnomAD v4.1: 49 of 1,612,524 alleles (0.003%); highest among the groups gnomAD compares: Middle Eastern, 0.29%; no homozygotes.

Submissions (3):

Blueprint Genetics
Classification: Uncertain significance. Last evaluated: 2024-10-16. Review status: criteria provided, single submitter. Criteria: ACMG Guidelines, 2015. Collection method: clinical testing. Allele origin: germline.

Labcorp Genetics (formerly Invitae), Labcorp
Classification: Uncertain significance for Familial hemophagocytic lymphohistiocytosis 3. Last evaluated: 2023-12-11. Review status: criteria provided, single submitter. Criteria: Invitae Variant Classification Sherloc (09022015). Collection method: clinical testing. Allele origin: germline.
Comment: This sequence change replaces arginine, which is basic and polar, with histidine, which is basic and polar, at codon 610 of the UNC13D protein (p.Arg610His). This variant is present in population databases (rs749184121, gnomAD 0.06%). This variant has not been reported in the literature in individuals affected with UNC13D-related conditions. ClinVar contains an entry for this variant (Variation ID: 643566). Advanced modeling of protein sequence and biophysical properties (such as structural, functional, and spatial information, amino acid conservation, physicochemical variation, residue mobility, and thermodynamic stability) performed at Invitae indicates that this missense variant is expected to disrupt UNC13D protein function with a positive predictive value of 80%. In summary, the available evidence is currently insufficient to determine the role of this variant in disease. Therefore, it has been classified as a Variant of Uncertain Significance.

Baylor Genetics
Classification: Uncertain significance for Familial hemophagocytic lymphohistiocytosis 3. Last evaluated: 2019-07-31. Review status: criteria provided, single submitter. Criteria: ACMG Guidelines, 2015. Collection method: clinical testing. Allele origin: unknown. Affected: yes.
Comment: This variant was determined to be of uncertain significance according to ACMG Guidelines, 2015 [PMID:25741868].